The following is an entry in ClinVar:

ClinVar aggregate classification (germline): Uncertain significance (1 of 4 stars; one submission).

Conditions:
Cohen syndrome (COH1). Also called: PEPPER SYNDROME; Cutis verticis gyrata, retinitis pigmentosa, and sensorineural deafness. Identifiers: Orphanet 193, MedGen C0265223, MONDO:0008999, OMIM 216550.

Allele frequency attached by ClinVar (database versions not stated): gnomAD 0.00001; gnomAD exomes 0.00001; TOPMed 0.00001.
gnomAD v4.1: 13 of 1,614,040 alleles (0.00081%); highest among the groups gnomAD compares: Non-Finnish European, 0.0011%; no homozygotes.

Submission:

Labcorp Genetics (formerly Invitae), Labcorp
Classification: Uncertain significance for Cohen syndrome. Last evaluated: 2023-08-24. Review status: criteria provided, single submitter. Criteria: Invitae Variant Classification Sherloc (09022015). Collection method: clinical testing. Allele origin: germline.
Comment: This variant is not present in population databases (gnomAD no frequency). In summary, the available evidence is currently insufficient to determine the role of this variant in disease. Therefore, it has been classified as a Variant of Uncertain Significance. This sequence change replaces isoleucine, which is neutral and non-polar, with threonine, which is neutral and polar, at codon 1892 of the VPS13B protein (p.Ile1892Thr). Advanced modeling of protein sequence and biophysical properties (such as structural, functional, and spatial information, amino acid conservation, physicochemical variation, residue mobility, and thermodynamic stability) has been performed at Invitae for this missense variant, however the output from this modeling did not meet the statistical confidence thresholds required to predict the impact of this variant on VPS13B protein function. ClinVar contains an entry for this variant (Variation ID: 2075623). This variant has not been reported in the literature in individuals affected with VPS13B-related conditions.

NM_152564.5(VPS13B):c.5600T>C (p.Ile1867Thr)

Gene: VPS13B (vacuolar protein sorting 13 homolog B; plus strand). Cytogenetic location: 8q22.2.
Variant type: single nucleotide variant.
Coding change: c.5600T>C on transcript NM_152564.5 (MANE Select); coding-DNA position 5600, T replaced by C.
Protein change: p.Ile1867Thr; replaces isoleucine 1867 with threonine.
Molecular consequence: missense variant.
Genome position (GRCh38, 1-based): chr8:99,642,190, T>C. VCF-style: chr8-99642190-T-C. GRCh37 (hg19) VCF-style: chr8-100654418-T-C.
Other names: c.5675T>C, p.Ile1892Thr (NM_017890.5); short protein forms I1867T, I1892T.
Identifiers: ClinVar variation 2075623 (VCV002075623.4), dbSNP rs1388913978, ClinGen allele CA371872919.